The following is an entry in ClinVar:

NM_013275.6(ANKRD11):c.3686C>A (p.Thr1229Lys)

Gene: ANKRD11 (ankyrin repeat domain 11; minus strand). Cytogenetic location: 16q24.3.
Variant type: single nucleotide variant.
Coding change: c.3686C>A on transcript NM_013275.6 (MANE Select); coding-DNA position 3686, C replaced by A.
Protein change: p.Thr1229Lys; replaces threonine 1229 with lysine.
Molecular consequence: missense variant.
Genome position (GRCh38, 1-based): chr16:89,282,856, G>T on the plus strand (C>A on the coding strand, the complement: ANKRD11 is on the minus strand). VCF-style: chr16-89282856-G-T. GRCh37 (hg19) VCF-style: chr16-89349264-G-T.
Other names: c.3686C>A, p.Thr1229Lys (NM_001256182.2, NM_001256183.2); short protein forms T1229K.
Identifiers: ClinVar variation 4802801 (VCV004802801.1).

ClinVar aggregate classification (germline): Uncertain significance (1 of 4 stars; one submission).

Conditions:
KBG syndrome (KBGS). Also called: ANKRD11-Related KBG Syndrome. Identifiers: Orphanet 2332, MedGen C0220687, MONDO:0007846, OMIM 148050.

gnomAD v4.1: 1 of 1,612,240 alleles (0.000062%); no homozygotes.

Submission:

Labcorp Genetics (formerly Invitae), Labcorp
Classification: Uncertain significance for KBG syndrome. Last evaluated: 2025-09-13. Review status: criteria provided, single submitter. Criteria: Invitae Variant Classification Sherloc (09022015). Collection method: clinical testing. Allele origin: germline.
Comment: This sequence change replaces threonine, which is neutral and polar, with lysine, which is basic and polar, at codon 1229 of the ANKRD11 protein (p.Thr1229Lys). This variant is not present in population databases (gnomAD no frequency). This variant has not been reported in the literature in individuals affected with ANKRD11-related conditions. Invitae Evidence Modeling of protein sequence and biophysical properties (such as structural, functional, and spatial information, amino acid conservation, physicochemical variation, residue mobility, and thermodynamic stability) indicates that this missense variant is not expected to disrupt ANKRD11 protein function with a negative predictive value of 95%. In summary, the available evidence is currently insufficient to determine the role of this variant in disease. Therefore, it has been classified as a Variant of Uncertain Significance.